The following is an entry in ClinVar:

NM_015338.6(ASXL1):c.1943G>A (p.Gly648Asp)

Gene: ASXL1 (ASXL transcriptional regulator 1; plus strand). Cytogenetic location: 20q11.21.
Variant type: single nucleotide variant.
Coding change: c.1943G>A on transcript NM_015338.6 (MANE Select); coding-DNA position 1943, G replaced by A.
Protein change: p.Gly648Asp; replaces glycine 648 with aspartic acid.
Molecular consequence: missense variant.
Genome position (GRCh38, 1-based): chr20:32,434,655, G>A. VCF-style: chr20-32434655-G-A. GRCh37 (hg19) VCF-style: chr20-31022458-G-A.
Other names: c.1760G>A, p.Gly587Asp (NM_001363734.1); short protein forms G648D, G587D.
Identifiers: ClinVar variation 3792470 (VCV003792470.1).

ClinVar aggregate classification (germline): Uncertain significance (1 of 4 stars; one submission).

Conditions:
Inborn genetic diseases. Identifiers: MedGen C0950123, MeSH D030342.

gnomAD v4.1: 9 of 1,605,508 alleles (0.00056%); highest among the groups gnomAD compares: Non-Finnish European, 0.0006%; no homozygotes.

Submission:

Ambry Genetics
Classification: Uncertain significance for Inborn genetic diseases. Last evaluated: 2025-01-18. Review status: criteria provided, single submitter. Criteria: Ambry Variant Classification Scheme 2023. Collection method: clinical testing. Allele origin: germline.
Comment: The p.G648D variant (also known as c.1943G>A), located in coding exon 13 of the ASXL1 gene, results from a G to A substitution at nucleotide position 1943. The glycine at codon 648 is replaced by aspartic acid, an amino acid with similar properties. This amino acid position is conserved. In addition, the in silico prediction for this alteration is inconclusive. Based on the available evidence, the clinical significance of this variant remains unclear.